The following is an entry in ClinVar:

ClinVar aggregate classification (germline): Pathogenic. Review status: criteria provided, multiple submitters, no conflicts (2 of 4 stars). 4 submissions from 4 submitters: Pathogenic (4). Last evaluated 2023-09-22.

Conditions:
Hereditary nonpolyposis colorectal neoplasms. Identifiers: MedGen C0009405, MeSH D003123.
Hereditary cancer-predisposing syndrome. Also called: Neoplastic Syndromes, Hereditary; Hereditary Cancer Syndrome; Tumor predisposition; Hereditary neoplastic syndrome. Identifiers: Orphanet 140162, MedGen C0027672, MeSH D009386, MONDO:0015356.
Lynch syndrome 4 (LYNCH4). Also called: Hereditary non-polyposis colorectal cancer, type 4; Colorectal cancer, hereditary nonpolyposis, type 4. Identifiers: Orphanet 144, MedGen C1838333, MONDO:0013699, OMIM 614337. Disease mechanism: loss of function.

Submissions (4):

Myriad Genetics, Inc.
Classification: Pathogenic for Lynch syndrome 4. Last evaluated: 2023-09-22. Review status: criteria provided, single submitter. Criteria: Myriad Autosomal Dominant, Autosomal Recessive and X-Linked Classification Criteria (2023). Collection method: clinical testing. Allele origin: unknown.
Comment: This variant is considered pathogenic. This variant creates a termination codon and is predicted to result in premature protein truncation.

Ambry Genetics
Classification: Pathogenic for Hereditary cancer-predisposing syndrome. Last evaluated: 2021-03-25. Review status: criteria provided, single submitter. Criteria: Ambry Variant Classification Scheme 2023. Collection method: clinical testing. Allele origin: germline.
Comment: The c.2319dupT pathogenic mutation, located in coding exon 14 of the PMS2 gene, results from a duplication of T at nucleotide position 2319, causing a translational frameshift with a predicted alternate stop codon (p.K774*). This alteration is expected to result in loss of function by premature protein truncation or nonsense-mediated mRNA decay. As such, this alteration is interpreted as a disease-causing mutation.

Labcorp Genetics (formerly Invitae), Labcorp
Classification: Pathogenic for Hereditary nonpolyposis colorectal neoplasms. Last evaluated: 2020-02-05. Review status: criteria provided, single submitter. Criteria: Invitae Variant Classification Sherloc (09022015). Collection method: clinical testing. Allele origin: germline.
Comment: For these reasons, this variant has been classified as Pathogenic. Loss-of-function variants in PMS2 are known to be pathogenic (PMID: 21376568, 24362816). This variant has not been reported in the literature in individuals with PMS2-related conditions. ClinVar contains an entry for this variant (Variation ID: 546057). The frequency data for this variant in the population databases (ExAC) is considered unreliable due to the presence of homologous sequence, such as pseudogenes or paralogs, in the genome. This sequence change creates a premature translational stop signal (p.Lys774*) in the PMS2 gene. It is expected to result in an absent or disrupted protein product.

GeneDx
Classification: Pathogenic. Last evaluated: 2018-01-12. Review status: criteria provided, single submitter. Criteria: GeneDx Variant Classification (06012015). Collection method: clinical testing. Allele origin: germline. Affected: yes.
Comment: This variant is denoted PMS2 c.2319dupT->T at the cDNA level and p.Lys774Ter (K774X) at the protein level. The substitution creates a nonsense variant, which changes a Lysine to a premature stop codon (AAA>TAA), and is predicted to cause loss of normal protein function through protein truncation. Although this variant has not, to our knowledge, been reported in the literature, it is considered pathogenic.

Literature cited by the submitters: PubMed 21376568 (cited by Labcorp Genetics (formerly Invitae), Labcorp); PubMed 24362816 (cited by Labcorp Genetics (formerly Invitae), Labcorp).

NM_000535.7(PMS2):c.2319dup (p.Lys774Ter)

Gene: PMS2 (PMS1 homolog 2, mismatch repair system component; minus strand). Cytogenetic location: 7p22.1.
Variant type: Duplication.
Coding change: c.2319dup on transcript NM_000535.7 (MANE Select); coding-DNA position 2319, one base duplicated (T; older notation c.2319dupT).
Protein change: p.Lys774Ter; replaces lysine 774 with a stop codon.
Molecular consequence: nonsense. On other transcripts: non-coding transcript variant (1).
Genome position (GRCh38, 1-based): chr7:5,977,714, A duplicated on the plus strand (T on the coding strand, the reverse complement: PMS2 is on the minus strand). VCF-style (leftmost placement, unchanged base first): chr7-5977713-T-TA. GRCh37 (hg19) VCF-style: chr7-6017344-T-TA.
Other names: c.1914dup, p.Lys639Ter (NM_001322003.2, NM_001322004.2, NM_001322005.2); c.2163dup, p.Lys722Ter (NM_001322006.2); c.2001dup, p.Lys668Ter (NM_001322007.2, NM_001322008.2); c.1947dup, p.Lys650Ter (NM_001322009.2); c.1758dup, p.Lys587Ter (NM_001322010.2); c.1386dup, p.Lys463Ter (NM_001322011.2, NM_001322012.2); c.1746dup, p.Lys583Ter (NM_001322013.2); c.2352dup, p.Lys785Ter (NM_001322014.2); and 2 more; short protein forms K583*, K650*, K722*, K463*, K639*, K587*, K668*, K671*.
Identifiers: ClinVar variation 546057 (VCV000546057.13), dbSNP rs1554293975, ClinGen allele CA658821571.
Genomic context (GRCh38, chr7:5,977,713, plus strand): 5'-GGCTGTCGCTCAGCATGAAGATCAGTTCATCGACGTCCTGGGGTCCGAAGGTCCAGTTTT[T>TA]ACTAGTTGGCAAGGAAATCAGTTTAGCCCTTTCAGTGACTGGAGCTAAAAGAATACAATT-3'